The following is an entry in ClinVar:

ClinVar aggregate classification (germline): Uncertain significance (1 of 4 stars; one submission).

Allele frequency attached by ClinVar (database versions not stated): gnomAD exomes below 0.00001; gnomAD 0.00001; TOPMed 0.00002.
gnomAD v4.1: 6 of 1,427,730 alleles (0.00042%); highest among the groups gnomAD compares: African/African-American, 0.0072%; no homozygotes.

Submission:

Labcorp Genetics (formerly Invitae), Labcorp
Classification: Uncertain significance. Last evaluated: 2022-07-19. Review status: criteria provided, single submitter. Criteria: Invitae Variant Classification Sherloc (09022015). Collection method: clinical testing. Allele origin: germline.
Comment: In summary, the available evidence is currently insufficient to determine the role of this variant in disease. Therefore, it has been classified as a Variant of Uncertain Significance. Variants that disrupt the consensus splice site are a relatively common cause of aberrant splicing (PMID: 17576681, 9536098). Algorithms developed to predict the effect of sequence changes on RNA splicing suggest that this variant is not likely to affect RNA splicing. This variant has not been reported in the literature in individuals affected with KMT2E-related conditions. The frequency data for this variant in the population databases is considered unreliable, as metrics indicate poor data quality at this position in the gnomAD database. This sequence change falls in intron 20 of the KMT2E gene. It does not directly change the encoded amino acid sequence of the KMT2E protein. It affects a nucleotide within the consensus splice site.

Literature cited by the submitters: PubMed 17576681; PubMed 9536098.

NM_182931.3(KMT2E):c.2848-3C>T

Gene: KMT2E (lysine methyltransferase 2E (inactive); plus strand). Cytogenetic location: 7q22.3.
Variant type: single nucleotide variant.
Coding change: c.2848-3C>T on transcript NM_182931.3 (MANE Select); 3 bases into the intron before coding-DNA position 2848, C replaced by T.
Molecular consequence: intron variant.
Genome position (GRCh38, 1-based): chr7:105,107,163, C>T. VCF-style: chr7-105107163-C-T. GRCh37 (hg19) VCF-style: chr7-104747610-C-T.
Other names: c.2848-3C>T (NM_018682.4).
Identifiers: ClinVar variation 2009749 (VCV002009749.4), dbSNP rs75130521, ClinGen allele CA164018728.